The following is an entry in ClinVar:

NM_001042492.3(NF1):c.2054C>G (p.Thr685Ser)

Gene: NF1 (neurofibromin 1; plus strand). Cytogenetic location: 17q11.2.
Variant type: single nucleotide variant.
Coding change: c.2054C>G on transcript NM_001042492.3 (MANE Select); coding-DNA position 2054, C replaced by G.
Protein change: p.Thr685Ser; replaces threonine 685 with serine.
Molecular consequence: missense variant.
Genome position (GRCh38, 1-based): chr17:31,226,487, C>G. VCF-style: chr17-31226487-C-G. GRCh37 (hg19) VCF-style: chr17-29553505-C-G.
Other names: c.2054C>G, p.Thr685Ser (NM_000267.4); short protein forms T685S.
Identifiers: ClinVar variation 229779 (VCV000229779.17), dbSNP rs876658190, ClinGen allele CA10580241.

ClinVar aggregate classification (germline): Conflicting classifications of pathogenicity. Review status: criteria provided, conflicting classifications (1 of 4 stars). 7 submissions from 6 submitters: Uncertain significance (6); Likely benign (1). Last evaluated 2025-12-29.

Conditions:
Cardiovascular phenotype. Identifiers: MedGen CN230736.
Hereditary cancer-predisposing syndrome. Also called: Hereditary Cancer Syndrome; Neoplastic Syndromes, Hereditary; Tumor predisposition; Hereditary neoplastic syndrome. Identifiers: Orphanet 140162, MedGen C0027672, MeSH D009386, MONDO:0015356.
Café-au-lait macules with pulmonary stenosis (WTSN). Also called: PULMONIC STENOSIS WITH CAFE-AU-LAIT SPOTS. Identifiers: MedGen C0553586, MONDO:0008672, OMIM 193520.
Juvenile myelomonocytic leukemia (JMML). Also called: LEUKEMIA, JUVENILE MYELOMONOCYTIC, SOMATIC. Identifiers: Orphanet 86834, MedGen C0349639, MONDO:0011908, OMIM 607785, HP:0012209.
Neurofibromatosis-Noonan syndrome (NFNS). Also called: NEUROFIBROMATOSIS WITH NOONAN PHENOTYPE. Identifiers: Orphanet 638, MedGen C2931482, MONDO:0011035, OMIM 601321. Disease mechanism: loss of function.
Neurofibromatosis, familial spinal (FSNF). Identifiers: Orphanet 636, MedGen C1834235, MONDO:0008078, OMIM 162210. Disease mechanism: loss of function.
Neurofibromatosis, type 1 (NF1). Also called: Neurofibromatosis, type I; VON RECKLINGHAUSEN DISEASE; NEUROFIBROMATOSIS, TYPE I, SOMATIC; Peripheral type neurofibromatosis. Identifiers: Orphanet 636, MedGen C0027831, MONDO:0018975, OMIM 162200. Disease mechanism: loss of function.

Allele frequency attached by ClinVar (database versions not stated): TOPMed below 0.00001; gnomAD 0.00001; gnomAD exomes 0.00001.
gnomAD v4.1: 3 of 1,613,778 alleles (0.00019%); highest among the groups gnomAD compares: Non-Finnish European, 0.00025%; no homozygotes.

Submissions (7):

Labcorp Genetics (formerly Invitae), Labcorp
Classification: Likely benign for Neurofibromatosis, type 1. Last evaluated: 2025-12-29. Review status: criteria provided, single submitter. Criteria: Invitae Variant Classification Sherloc (09022015). Collection method: clinical testing. Allele origin: germline.

St. Jude Molecular Pathology, St. Jude Children's Research Hospital
Classification: Uncertain significance for Neurofibromatosis, type 1. Last evaluated: 2024-08-14. Review status: criteria provided, single submitter. Criteria: St. Jude Assertion Criteria 2020. Collection method: clinical testing. Allele origin: germline.
Comment: The NF1 c.2054C>G (p.Thr685Ser) missense change has a maximum subpopulation frequency of 0.002% in gnomAD v2.1.1. The in silico tool REVEL predicts a benign effect on protein function, but this prediction has not been confirmed by functional studies. This variant has not been reported in individuals with neurofibromatosis type 1. In summary, the evidence currently available is insufficient to determine the clinical significance of this variant. It has therefore been classified as of uncertain significance.

GeneDx
Classification: Uncertain significance. Last evaluated: 2022-04-13. Review status: criteria provided, single submitter. Criteria: GeneDx Variant Classification Process June 2021. Collection method: clinical testing. Allele origin: germline. Affected: yes.
Comment: In silico analysis supports that this missense variant does not alter protein structure/function; Has not been previously published as pathogenic or benign to our knowledge; This variant is associated with the following publications: (PMID: 25486365)

Genome-Nilou Lab
Classification: Uncertain significance for Neurofibromatosis, type 1. Last evaluated: 2022-03-15. Review status: criteria provided, single submitter. Criteria: ACMG Guidelines, 2015. Collection method: clinical testing. Allele origin: germline. Affected: no.

Fulgent Genetics
Classification: Uncertain significance for Neurofibromatosis, type 1; Neurofibromatosis, familial spinal; Café-au-lait macules with pulmonary stenosis; Neurofibromatosis-Noonan syndrome; Juvenile myelomonocytic leukemia. Last evaluated: 2022-03-09. Review status: criteria provided, single submitter. Criteria: ACMG Guidelines, 2015. Collection method: clinical testing. Allele origin: unknown.

Ambry Genetics
Classification: Uncertain significance for Cardiovascular phenotype; Hereditary cancer-predisposing syndrome. Last evaluated: 2021-02-12. Review status: criteria provided, single submitter. Criteria: Ambry Variant Classification Scheme 2023. Collection method: clinical testing. Allele origin: germline.

Ambry Genetics
Classification: Uncertain significance for Hereditary cancer-predisposing syndrome. Last evaluated: 2015-01-20. Review status: criteria provided, single submitter. Criteria: Ambry Autosomal Dominant and X-Linked criteria (10/2015). Collection method: clinical testing. Allele origin: germline. Observed: 1 variant allele.
Comment: The p.T685S variant (also known as c.2054C>G), located in coding exon 18 of the NF1 gene, results from a C to G substitution at nucleotide position 2054. The threonine at codon 685 is replaced by serine, an amino acid with similar properties. This variant was not reported in population based cohorts in the following databases: Database of Single Nucleotide Polymorphisms (dbSNP), NHLBI Exome Sequencing Project (ESP), and 1000 Genomes Project. In the ESP, this variant was not observed in 6503 samples (13006 alleles) with coverage at this position. To date, this alteration has been detected with an allele frequency of approximately 0.003% (greater than 30,000 alleles tested) in our clinical cohort.This amino acid position is highly conserved in available vertebrate species. In addition, the in silico prediction for this alteration is inconclusive.Since supporting evidence is limited at this time, the clinical significance of p.T685Sremains unclear.